The following is an entry in ClinVar:

NM_000587.4(C7):c.642A>T (p.Glu214Asp)

Gene: C7 (complement C7; plus strand). Cytogenetic location: 5p13.1.
Variant type: single nucleotide variant.
Coding change: c.642A>T on transcript NM_000587.4 (MANE Select); coding-DNA position 642, A replaced by T.
Protein change: p.Glu214Asp; replaces glutamic acid 214 with aspartic acid.
Molecular consequence: missense variant.
Genome position (GRCh38, 1-based): chr5:40,945,272, A>T. VCF-style: chr5-40945272-A-T. GRCh37 (hg19) VCF-style: chr5-40945374-A-T.
Other names: short protein forms E214D.
Identifiers: ClinVar variation 1912082 (VCV001912082.3), dbSNP rs773824131, ClinGen allele CA3249706.

ClinVar aggregate classification (germline): Uncertain significance. Review status: criteria provided, multiple submitters, no conflicts (2 of 4 stars). 2 submissions from 2 submitters: Uncertain significance (2). Last evaluated 2024-08-02.

Conditions:
Inborn genetic diseases. Identifiers: MedGen C0950123, MeSH D030342.

Allele frequency attached by ClinVar (database versions not stated): TOPMed below 0.00001; ExAC 0.00001; gnomAD 0.00002.
gnomAD v4.1: 9 of 1,597,984 alleles (0.00056%); highest among the groups gnomAD compares: African/African-American, 0.0013%; no homozygotes.

Submissions (2):

Ambry Genetics
Classification: Uncertain significance for Inborn genetic diseases. Last evaluated: 2024-08-02. Review status: criteria provided, single submitter. Criteria: Ambry Variant Classification Scheme 2023. Collection method: clinical testing. Allele origin: germline.

Labcorp Genetics (formerly Invitae), Labcorp
Classification: Uncertain significance. Last evaluated: 2022-06-18. Review status: criteria provided, single submitter. Criteria: Invitae Variant Classification Sherloc (09022015). Collection method: clinical testing. Allele origin: germline.
Comment: This sequence change replaces glutamic acid, which is acidic and polar, with aspartic acid, which is acidic and polar, at codon 214 of the C7 protein (p.Glu214Asp). This variant is present in population databases (rs773824131, gnomAD 0.002%). This variant has not been reported in the literature in individuals affected with C7-related conditions. Algorithms developed to predict the effect of missense changes on protein structure and function output the following: SIFT: "Tolerated"; PolyPhen-2: "Benign"; Align-GVGD: "Class C0". The aspartic acid amino acid residue is found in multiple mammalian species, which suggests that this missense change does not adversely affect protein function. In summary, the available evidence is currently insufficient to determine the role of this variant in disease. Therefore, it has been classified as a Variant of Uncertain Significance.